The following is an entry in ClinVar:

NM_015107.3(PHF8):c.1987G>A (p.Asp663Asn)

Gene: PHF8 (PHD finger protein 8; minus strand). Cytogenetic location: Xp11.22.
Variant type: single nucleotide variant.
Coding change: c.1987G>A on transcript NM_015107.3 (MANE Select); coding-DNA position 1987, G replaced by A.
Protein change: p.Asp663Asn; replaces aspartic acid 663 with asparagine.
Molecular consequence: missense variant.
Genome position (GRCh38, 1-based): chrX:53,987,086, C>T on the plus strand (G>A on the coding strand, the complement: PHF8 is on the minus strand). VCF-style: chrX-53987086-C-T. GRCh37 (hg19) VCF-style: chrX-54013519-C-T.
Other names: c.2095G>A, p.Asp699Asn (NM_001184896.1); c.1684G>A, p.Asp562Asn (NM_001184897.2); c.1987G>A, p.Asp663Asn (NM_001184898.2); c.1987G>A (NM_015107.2); short protein forms D562N, D663N, D699N.
Identifiers: ClinVar variation 2445703 (VCV002445703.1), dbSNP rs2519528990, ClinGen allele CA413254605.
Genomic context (GRCh38, chrX:53,987,086, plus strand): 5'-CTGTCTCTATCACCAGAATGAGCAGAAGACTAGATCCAGGGCAGAATCCTACCTCAATGT[C>T]AAACTCAACTTCTCCTGGTTCACGAACTCGGTTGGGGTCAGAGCAAGGCTTCGCACGGGG-3'
Protein context (NP_055922.1, residues 653-673): RVREPGEVEF[Asp663Asn]IEEDYTTDED

ClinVar aggregate classification (germline): Uncertain significance (1 of 4 stars; one submission).

Submission:

Women's Health and Genetics/Laboratory Corporation of America, LabCorp
Classification: Uncertain significance. Last evaluated: 2023-02-28. Review status: criteria provided, single submitter. Criteria: LabCorp Variant Classification Summary - May 2015. Collection method: clinical testing. Allele origin: germline.
Comment: Variant summary: PHF8 c.1987G>A (p.Asp663Asn) results in a conservative amino acid change in the encoded protein sequence. Three of five in-silico tools predict a benign effect of the variant on protein function. The variant was absent in 181980 control chromosomes (gnomAD). The available data on variant occurrences in the general population are insufficient to allow any conclusion about variant significance. To our knowledge, no occurrence of c.1987G>A in individuals affected with X-Linked Intellectual Disability Syndrome, Siderius Type and no experimental evidence demonstrating its impact on protein function have been reported. No clinical diagnostic laboratories have submitted clinical-significance assessments for this variant to ClinVar after 2014. Based on the evidence outlined above, the variant was classified as uncertain significance.